The following is an entry in ClinVar:

ClinVar aggregate classification (germline): Uncertain significance. Review status: criteria provided, multiple submitters, no conflicts (2 of 4 stars). 2 submissions from 2 submitters: Uncertain significance (2). Last evaluated 2026-04-26.

Conditions:
Inborn genetic diseases. Identifiers: MedGen C0950123, MeSH D030342.

Submissions (2):

Ambry Genetics
Classification: Uncertain significance for Inborn genetic diseases. Last evaluated: 2026-04-26. Review status: criteria provided, single submitter. Criteria: Ambry Variant Classification Scheme 2023. Collection method: clinical testing. Allele origin: germline.
Comment: The p.D29H variant (also known as c.85G>C), located in coding exon 1 of the MBD4 gene, results from a G to C substitution at nucleotide position 85. The aspartic acid at codon 29 is replaced by histidine, an amino acid with similar properties. This amino acid position is conserved. In addition, this alteration is predicted to be tolerated by in silico analysis. Based on the available evidence, the clinical significance of this variant remains unclear.

Labcorp Genetics (formerly Invitae), Labcorp
Classification: Uncertain significance. Last evaluated: 2025-08-16. Review status: criteria provided, single submitter. Criteria: Invitae Variant Classification Sherloc (09022015). Collection method: clinical testing. Allele origin: germline.
Comment: This sequence change replaces aspartic acid, which is acidic and polar, with histidine, which is basic and polar, at codon 29 of the MBD4 protein (p.Asp29His). This variant is not present in population databases (gnomAD no frequency). This variant has not been reported in the literature in individuals affected with MBD4-related conditions. An algorithm developed to predict the effect of missense changes on protein structure and function (PolyPhen-2) suggests that this variant is likely to be disruptive. In summary, the available evidence is currently insufficient to determine the role of this variant in disease. Therefore, it has been classified as a Variant of Uncertain Significance.

NM_001276270.2(MBD4):c.85G>C (p.Asp29His)

Gene: MBD4 (methyl-CpG binding domain 4, DNA glycosylase; minus strand). Cytogenetic location: 3q21.3.
Variant type: single nucleotide variant.
Coding change: c.85G>C on transcript NM_001276270.2 (MANE Select); coding-DNA position 85, G replaced by C.
Protein change: p.Asp29His; replaces aspartic acid 29 with histidine.
Molecular consequence: missense variant.
Genome position (GRCh38, 1-based): chr3:129,439,749, C>G on the plus strand (G>C on the coding strand, the complement: MBD4 is on the minus strand). VCF-style: chr3-129439749-C-G. GRCh37 (hg19) VCF-style: chr3-129158592-C-G.
Other names: c.85G>C, p.Asp29His (NM_001276271.2, NM_001276272.2, NM_001276273.2 and 1 more transcripts); short protein forms D29H.
Identifiers: ClinVar variation 4725515 (VCV004725515.2).
Genomic context (GRCh38, chr3:129,439,749, plus strand): 5'-CAGGTGGTGAAACTGAGGCCCAAAAGGGGACAGTAACTTACCGGAGGTCATTCGGCGGGT[C>G]TGGGACTAGGCGCTCACTAGAGGTGACGGTGGGGGCAGCTCCGCGGTCCCCCAGACTCAG-3'
Protein context (NP_001263199.1, residues 19-39): TVTSSERLVP[Asp29His]PPNDLRKEDV